The following is an entry in ClinVar:

ClinVar aggregate classification (germline): Uncertain significance (1 of 4 stars; one submission).

Allele frequency attached by ClinVar (database versions not stated): TOPMed 0.00004; ExAC 0.00001; gnomAD 0.00001; gnomAD exomes 0.00002.
gnomAD v4.1: 8 of 1,613,604 alleles (0.0005%); highest among the groups gnomAD compares: Admixed American, 0.0083%; no homozygotes.

Submission:

Women's Health and Genetics/Laboratory Corporation of America, LabCorp
Classification: Uncertain significance. Last evaluated: 2022-03-16. Review status: criteria provided, single submitter. Criteria: LabCorp Variant Classification Summary - May 2015. Collection method: clinical testing. Allele origin: germline.
Comment: Variant summary: DPYD c.3034G>T (p.Glu1012X) located in the last exon results in a premature termination codon, predicted to cause a truncation of the encoded protein or absence of the protein due to nonsense mediated decay, which are commonly known mechanisms for disease. Truncations downstream of this position have not been observed at our laboratory. The variant allele was found at a frequency of 2e-05 in 251214 control chromosomes and is indicated as a low-confidence variant annotation or quality dubious variant in the gnomAD database. The available data on variant occurrences in the general population are insufficient to allow any conclusion about variant significance. To our knowledge, no occurrence of c.3034G>T in individuals affected with Dihydropyrimidine Dehydrogenase Deficiency and no experimental evidence demonstrating its impact on protein function have been reported. No clinical diagnostic laboratories have submitted clinical-significance assessments for this variant to ClinVar after 2014. Based on the evidence outlined above, the variant was classified as uncertain significance.

NM_000110.4(DPYD):c.3034G>T (p.Glu1012Ter)

Gene: DPYD (dihydropyrimidine dehydrogenase; minus strand). Cytogenetic location: 1p21.3.
Variant type: single nucleotide variant.
Coding change: c.3034G>T on transcript NM_000110.4 (MANE Select); coding-DNA position 3034, G replaced by T.
Protein change: p.Glu1012Ter; replaces glutamic acid 1012 with a stop codon.
Molecular consequence: nonsense.
Genome position (GRCh38, 1-based): chr1:97,079,020, C>A on the plus strand (G>T on the coding strand, the complement: DPYD is on the minus strand). VCF-style: chr1-97079020-C-A. GRCh37 (hg19) VCF-style: chr1-97544576-C-A.
Other names: short protein forms E1012*.
Identifiers: ClinVar variation 1677117 (VCV001677117.1), dbSNP rs761584058, ClinGen allele CA962872.